The following is an entry in ClinVar:

NM_172364.5(CACNA2D4):c.*1556T>C

Gene: CACNA2D4 (calcium voltage-gated channel auxiliary subunit alpha2delta 4; minus strand). Cytogenetic location: 12p13.33.
Variant type: single nucleotide variant.
Coding change: c.*1556T>C on transcript NM_172364.5 (MANE Select); 1556 bases downstream of the stop codon, T replaced by C.
Molecular consequence: 3 prime UTR variant.
Genome position (GRCh38, 1-based): chr12:1,792,099, A>G on the plus strand (T>C on the coding strand, the complement: CACNA2D4 is on the minus strand). VCF-style: chr12-1792099-A-G. GRCh37 (hg19) VCF-style: chr12-1901265-A-G.
Identifiers: ClinVar variation 882716 (VCV000882716.4), dbSNP rs12303097, ClinGen allele CA231516238.

ClinVar aggregate classification (germline): Benign (1 of 4 stars; one submission).

Conditions:
Retinal cone dystrophy 4 (RCD4). Identifiers: Orphanet 1872, MedGen C1864849, MONDO:0012507, OMIM 610478.

Allele frequency attached by ClinVar (database versions not stated): gnomAD 0.00911 and 0.00963; 1000 Genomes Project 0.00998; TOPMed 0.00999; 1000 Genomes Project 30x 0.01046.

Submission:

Illumina Laboratory Services, Illumina
Classification: Benign for Retinal cone dystrophy 4. Last evaluated: 2018-01-13. Review status: criteria provided, single submitter. Criteria: ICSL Variant Classification Criteria 13 December 2019. Collection method: clinical testing. Allele origin: germline.
Comment: This variant was observed in the ICSL laboratory as part of a predisposition screen in an ostensibly healthy population. It had not been previously curated by ICSL or reported in the Human Gene Mutation Database (HGMD: prior to June 1st, 2018), and was therefore a candidate for classification through an automated scoring system. Utilizing variant allele frequency, disease prevalence and penetrance estimates, and inheritance mode, an automated score was calculated to assess if this variant is too frequent to cause the disease. Based on the score and internal cut-off values, a variant classified as benign is not then subjected to further curation. The score for this variant resulted in a classification of benign for this disease.